The following is an entry in ClinVar:

NM_003482.4(KMT2D):c.5423G>A (p.Gly1808Glu)

Gene: KMT2D (lysine methyltransferase 2D; minus strand). Cytogenetic location: 12q13.12.
Variant type: single nucleotide variant.
Coding change: c.5423G>A on transcript NM_003482.4 (MANE Select); coding-DNA position 5423, G replaced by A.
Protein change: p.Gly1808Glu; replaces glycine 1808 with glutamic acid.
Molecular consequence: missense variant.
Genome position (GRCh38, 1-based): chr12:49,043,679, C>T on the plus strand (G>A on the coding strand, the complement: KMT2D is on the minus strand). VCF-style: chr12-49043679-C-T. GRCh37 (hg19) VCF-style: chr12-49437462-C-T.
Other names: short protein forms G1808E.
Identifiers: ClinVar variation 992527 (VCV000992527.7), dbSNP rs765343914, ClinGen allele CA6547548.

ClinVar aggregate classification (germline): Conflicting classifications of pathogenicity. Review status: criteria provided, conflicting classifications (1 of 4 stars). 3 submissions from 2 submitters: Uncertain significance (2); Benign (1). Last evaluated 2024-04-10.

Conditions:
Kabuki syndrome 1 (KABUK1). Also called: KMT2D-Related Kabuki Syndrome. Identifiers: Orphanet 2322, MedGen CN030661, MONDO:0007843, OMIM 147920.
Choanal atresia-athelia-hypothyroidism-delayed puberty-short stature syndrome (BCAHH). Also called: BRANCHIAL ARCH ABNORMALITIES, CHOANAL ATRESIA, ATHELIA, HEARING LOSS, AND HYPOTHYROIDISM SYNDROME. Identifiers: Orphanet 589856, MedGen C5680310, MONDO:0035651, OMIM 620186.
Kabuki syndrome. Also called: NIIKAWA-KUROKI SYNDROME; Kabuki make-up syndrome. Identifiers: Orphanet 2322, MedGen C0796004, MONDO:0016512.

Allele frequency attached by ClinVar (database versions not stated): gnomAD exomes below 0.00001 and 0.00001; ExAC 0.00002.
gnomAD v4.1: 2 of 1,614,064 alleles (0.00012%); highest among the groups gnomAD compares: Admixed American, 0.0033%; no homozygotes.

Submissions (3):

Labcorp Genetics (formerly Invitae), Labcorp
Classification: Benign for Kabuki syndrome. Last evaluated: 2024-04-10. Review status: criteria provided, single submitter. Criteria: Invitae Variant Classification Sherloc (09022015). Collection method: clinical testing. Allele origin: germline.

Center for Genomics, Ann and Robert H. Lurie Children's Hospital of Chicago
Classification: Uncertain significance for Kabuki syndrome 1. Last evaluated: 2020-06-18. Review status: criteria provided, single submitter. Criteria: ACMG Guidelines, 2015. Collection method: clinical testing. Allele origin: germline.
Comment: KMT2D NM_003482.3 exon 23 p.Gly1808Glu (c.5423G>A): This variant has not been reported in the literature but is present in 0.005% (2/34516) of Latino alleles in the Genome Aggregation Database. Evolutionary conservation suggests that this variant may impact the protein; computational predictive tools suggest that this variant may not impact the protein. In summary, data on this variant is insufficient for disease classification. Therefore, the clinical significance of this variant is uncertain.

Center for Genomics, Ann and Robert H. Lurie Children's Hospital of Chicago
Classification: Uncertain significance for Choanal atresia-athelia-hypothyroidism-delayed puberty-short stature syndrome; Kabuki syndrome 1. Review status: criteria provided, single submitter. Criteria: ACMG Guidelines, 2015. Collection method: clinical testing. Allele origin: germline.
Comment: the same text as in the submission from Center for Genomics, Ann and Robert H. Lurie Children's Hospital of Chicago above.